The following is an entry in ClinVar:

NM_080473.5(GATA5):c.873G>T (p.Lys291Asn)

Gene: GATA5 (GATA binding protein 5; minus strand). Cytogenetic location: 20q13.33.
Variant type: single nucleotide variant.
Coding change: c.873G>T on transcript NM_080473.5 (MANE Select); coding-DNA position 873, G replaced by T.
Protein change: p.Lys291Asn; replaces lysine 291 with asparagine.
Molecular consequence: missense variant.
Genome position (GRCh38, 1-based): chr20:62,465,874, C>A on the plus strand (G>T on the coding strand, the complement: GATA5 is on the minus strand). VCF-style: chr20-62465874-C-A. GRCh37 (hg19) VCF-style: chr20-61040930-C-A.
Other names: short protein forms K291N.
Identifiers: ClinVar variation 3617199 (VCV003617199.2).

ClinVar aggregate classification (germline): Uncertain significance (1 of 4 stars; one submission).

Submission:

Labcorp Genetics (formerly Invitae), Labcorp
Classification: Uncertain significance. Last evaluated: 2024-05-29. Review status: criteria provided, single submitter. Criteria: Invitae Variant Classification Sherloc (09022015). Collection method: clinical testing. Allele origin: germline.
Comment: This sequence change replaces lysine, which is basic and polar, with asparagine, which is neutral and polar, at codon 291 of the GATA5 protein (p.Lys291Asn). This variant is not present in population databases (gnomAD no frequency). This variant has not been reported in the literature in individuals affected with GATA5-related conditions. Advanced modeling of protein sequence and biophysical properties (such as structural, functional, and spatial information, amino acid conservation, physicochemical variation, residue mobility, and thermodynamic stability) performed at Invitae indicates that this missense variant is not expected to disrupt GATA5 protein function with a negative predictive value of 80%. In summary, the available evidence is currently insufficient to determine the role of this variant in disease. Therefore, it has been classified as a Variant of Uncertain Significance.